The following is an entry in ClinVar:

ClinVar aggregate classification (germline): Uncertain significance (1 of 4 stars; one submission).

Conditions:
Arrhythmogenic right ventricular dysplasia 9 (ARVD9). Also called: Arrhythmogenic Right Ventricular Dysplasia/Cardiomyopathy 9; ARRHYTHMOGENIC RIGHT VENTRICULAR DYSPLASIA, FAMILIAL, 9. Identifiers: MedGen C1836906, MONDO:0012180, OMIM 609040.

Submission:

Labcorp Genetics (formerly Invitae), Labcorp
Classification: Uncertain significance for Arrhythmogenic right ventricular dysplasia 9. Last evaluated: 2024-06-29. Review status: criteria provided, single submitter. Criteria: Invitae Variant Classification Sherloc (09022015). Collection method: clinical testing. Allele origin: germline.
Comment: This variant, c.2402_2404del, results in the deletion of 1 amino acid(s) of the PKP2 protein (p.Asn801del), but otherwise preserves the integrity of the reading frame. This variant is not present in population databases (gnomAD no frequency). This variant has not been reported in the literature in individuals affected with PKP2-related conditions. Experimental studies and prediction algorithms are not available or were not evaluated, and the functional significance of this variant is currently unknown. In summary, the available evidence is currently insufficient to determine the role of this variant in disease. Therefore, it has been classified as a Variant of Uncertain Significance.

NM_001005242.3(PKP2):c.2267ACA[1] (p.Asn757del)

Gene: PKP2 (plakophilin 2; minus strand). Cytogenetic location: 12p11.21.
Variant type: Microsatellite.
Coding change: c.2267ACA[1] on transcript NM_001005242.3 (MANE Select); one copy of the 3-base unit ACA starting at c.2267; the reference has two copies in a row; one copy, 3 bases deleted.
Protein change: p.Asn757del; deletes asparagine 757.
Molecular consequence: intron variant (on NM_001407155.1).
Genome position (GRCh38, 1-based): chr12:32,796,194-32,796,196, TGT deleted on the plus strand (ACA on the coding strand, the reverse complement: PKP2 is on the minus strand); deleting any 3 consecutive bases within chr12:32,796,194-32,796,200 gives the same sequence; the position shown is the placement nearest the transcript's 3' end. VCF-style (leftmost placement, unchanged base first): chr12-32796193-ATGT-A. GRCh37 (hg19) VCF-style: chr12-32949127-ATGT-A.
Other names: c.2102ACA[1], p.Asn702del (NM_001407156.1); c.1940ACA[1], p.Asn648del (NM_001407158.1, NM_001407159.1); c.2399ACA[1], p.Asn801del (NM_004572.4); c.2168-3465_2168-3463del (NM_001407155.1); c.1841-3465_1841-3463del (NM_001407160.1); short protein forms N648del, N702del, N757del, N801del.
Identifiers: ClinVar variation 3683842 (VCV003683842.2).